The following is an entry in ClinVar:

NM_017617.5(NOTCH1):c.5387C>T (p.Pro1796Leu)

Gene: NOTCH1 (notch receptor 1; minus strand). Cytogenetic location: 9q34.3.
Variant type: single nucleotide variant.
Coding change: c.5387C>T on transcript NM_017617.5 (MANE Select); coding-DNA position 5387, C replaced by T.
Protein change: p.Pro1796Leu; replaces proline 1796 with leucine.
Molecular consequence: missense variant.
Genome position (GRCh38, 1-based): chr9:136,502,086, G>A on the plus strand (C>T on the coding strand, the complement: NOTCH1 is on the minus strand). VCF-style: chr9-136502086-G-A. GRCh37 (hg19) VCF-style: chr9-139396538-G-A.
Other names: short protein forms P1796L.
Identifiers: ClinVar variation 3630570 (VCV003630570.3).

ClinVar aggregate classification (germline): Uncertain significance. Review status: criteria provided, multiple submitters, no conflicts (2 of 4 stars). 2 submissions from 2 submitters: Uncertain significance (2). Last evaluated 2026-09-01.

Conditions:
Adams-Oliver syndrome 5 (AOS5). Identifiers: Orphanet 974, MedGen C4014970, MONDO:0014459, OMIM 616028.

gnomAD v4.1: 3 of 1,613,010 alleles (0.00019%); highest among the groups gnomAD compares: Admixed American, 0.0033%; no homozygotes.

Submissions (2):

CeGaT Center for Human Genetics Tuebingen
Classification: Uncertain significance. Last evaluated: 2026-09-01. Review status: criteria provided, single submitter. Criteria: CeGaT Center For Human Genetics Tuebingen Variant Classification Criteria Version 2. Collection method: clinical testing. Allele origin: germline. Affected: yes. Observed: 1 variant allele.
Comment: NOTCH1: PP3

Labcorp Genetics (formerly Invitae), Labcorp
Classification: Uncertain significance for Adams-Oliver syndrome 5. Last evaluated: 2024-10-05. Review status: criteria provided, single submitter. Criteria: Invitae Variant Classification Sherloc (09022015). Collection method: clinical testing. Allele origin: germline.
Comment: This sequence change replaces proline, which is neutral and non-polar, with leucine, which is neutral and non-polar, at codon 1796 of the NOTCH1 protein (p.Pro1796Leu). This variant is present in population databases (rs557319054, gnomAD 0.003%). This variant has not been reported in the literature in individuals affected with NOTCH1-related conditions. An algorithm developed to predict the effect of missense changes on protein structure and function (PolyPhen-2) suggests that this variant is likely to be disruptive. In summary, the available evidence is currently insufficient to determine the role of this variant in disease. Therefore, it has been classified as a Variant of Uncertain Significance.